The following is an entry in ClinVar:

ClinVar aggregate classification (germline): Likely pathogenic (1 of 4 stars; one submission).

Submission:

Labcorp Genetics (formerly Invitae), Labcorp
Classification: Likely pathogenic. Last evaluated: 2021-06-30. Review status: criteria provided, single submitter. Criteria: Invitae Variant Classification Sherloc (09022015). Collection method: clinical testing. Allele origin: germline.
Comment: This variant is not present in population databases (ExAC no frequency). This sequence change replaces proline with leucine at codon 64 of the MPV17 protein (p.Pro64Leu). The proline residue is highly conserved and there is a moderate physicochemical difference between proline and leucine. This variant has not been reported in the literature in individuals affected with MPV17-related conditions. Advanced modeling of protein sequence and biophysical properties (such as structural, functional, and spatial information, amino acid conservation, physicochemical variation, residue mobility, and thermodynamic stability) performed at Invitae indicates that this missense variant is expected to disrupt MPV17 protein function. This variant disrupts the p.Pro64 amino acid residue in MPV17. Other variant(s) that disrupt this residue have been determined to be pathogenic (PMID: 23714749, 23829229). This suggests that this residue is clinically significant, and that variants that disrupt this residue are likely to be disease-causing. In summary, the currently available evidence indicates that the variant is pathogenic, but additional data are needed to prove that conclusively. Therefore, this variant has been classified as Likely Pathogenic.

Literature cited by the submitters: PubMed 23714749; PubMed 23829229.

NM_002437.5(MPV17):c.191C>T (p.Pro64Leu)

Gene: MPV17 (mitochondrial inner membrane protein MPV17; minus strand). Cytogenetic location: 2p23.3.
Variant type: single nucleotide variant.
Coding change: c.191C>T on transcript NM_002437.5 (MANE Select); coding-DNA position 191, C replaced by T.
Protein change: p.Pro64Leu; replaces proline 64 with leucine.
Molecular consequence: missense variant.
Genome position (GRCh38, 1-based): chr2:27,312,768, G>A on the plus strand (C>T on the coding strand, the complement: MPV17 is on the minus strand). VCF-style: chr2-27312768-G-A. GRCh37 (hg19) VCF-style: chr2-27535635-G-A.
Other names: short protein forms P64L.
Identifiers: ClinVar variation 1348121 (VCV001348121.8), dbSNP rs375401970, ClinGen allele CA346209044.